The following is an entry in ClinVar:

NM_000179.3(MSH6):c.544G>T (p.Ala182Ser)

Gene: MSH6 (mutS homolog 6; plus strand). Cytogenetic location: 2p16.3.
Variant type: single nucleotide variant.
Coding change: c.544G>T on transcript NM_000179.3 (MANE Select); coding-DNA position 544, G replaced by T.
Protein change: p.Ala182Ser; replaces alanine 182 with serine.
Molecular consequence: missense variant. On other transcripts: 5 prime UTR variant (2), non-coding transcript variant (5), intron variant (8).
Genome position (GRCh38, 1-based): chr2:47,795,980, G>T. VCF-style: chr2-47795980-G-T. GRCh37 (hg19) VCF-style: chr2-48023119-G-T.
Other names: c.-359G>T (NM_001281494.2); c.640G>T, p.Ala214Ser (NM_001406795.1, NM_001406802.1); c.544G>T, p.Ala182Ser (NM_001406796.1, NM_001406798.1, NM_001406800.1 and 5 more transcripts); c.247G>T, p.Ala83Ser (NM_001406797.1, NM_001406801.1, NM_001406805.1 and 10 more transcripts); c.19G>T, p.Ala7Ser (NM_001406799.1, NM_001406806.1, NM_001406807.1); c.466G>T, p.Ala156Ser (NM_001406804.1); c.550G>T, p.Ala184Ser (NM_001406813.1); c.-451G>T (NM_001406814.1); and 3 more; short protein forms A126S, A182S, A83S, A156S, A7S, A184S, A214S.
Identifiers: ClinVar variation 2701657 (VCV002701657.3), dbSNP rs1441208044, ClinGen allele CA346738733.
Genomic context (GRCh38, chr2:47,795,980, plus strand): 5'-GGAGGTCATTTTTACAGTGCAAAGCCTGAAATACTGAGAGCAATGCAACGTGCAGATGAA[G>T]CCTTAAATAAAGACAAGATTAAGAGGCTTGAATTGGCAGTTTGTGATGAGCCCTCAGAGC-3'
Protein context (NP_000170.1, residues 172-192): ILRAMQRADE[Ala182Ser]LNKDKIKRLE

ClinVar aggregate classification (germline): Uncertain significance (1 of 4 stars; one submission).

Conditions:
Hereditary nonpolyposis colorectal neoplasms. Identifiers: MedGen C0009405, MeSH D003123.

Submission:

Labcorp Genetics (formerly Invitae), Labcorp
Classification: Uncertain significance for Hereditary nonpolyposis colorectal neoplasms. Last evaluated: 2023-12-09. Review status: criteria provided, single submitter. Criteria: Invitae Variant Classification Sherloc (09022015). Collection method: clinical testing. Allele origin: germline.
Comment: This sequence change replaces alanine, which is neutral and non-polar, with serine, which is neutral and polar, at codon 182 of the MSH6 protein (p.Ala182Ser). This variant is not present in population databases (gnomAD no frequency). This variant has not been reported in the literature in individuals affected with MSH6-related conditions. Advanced modeling of protein sequence and biophysical properties (such as structural, functional, and spatial information, amino acid conservation, physicochemical variation, residue mobility, and thermodynamic stability) performed at Invitae indicates that this missense variant is not expected to disrupt MSH6 protein function with a negative predictive value of 95%. In summary, the available evidence is currently insufficient to determine the role of this variant in disease. Therefore, it has been classified as a Variant of Uncertain Significance.